The following is an entry in ClinVar:

ClinVar aggregate classification (germline): Uncertain significance (1 of 4 stars; one submission).

Submission:

Labcorp Genetics (formerly Invitae), Labcorp
Classification: Uncertain significance. Last evaluated: 2025-12-26. Review status: criteria provided, single submitter. Criteria: Invitae Variant Classification Sherloc (09022015). Collection method: clinical testing. Allele origin: germline.
Comment: This sequence change creates a premature translational stop signal (p.Arg1738Profs*34) in the MYH7B gene. It is expected to result in an absent or disrupted protein product. However, the current clinical and genetic evidence is not sufficient to establish whether loss-of-function variants in MYH7B cause disease. This variant is not present in population databases (gnomAD no frequency). This variant has not been reported in the literature in individuals affected with MYH7B-related conditions. Experimental studies and prediction algorithms are not available or were not evaluated, and the functional significance of this variant is currently unknown. In summary, the available evidence is currently insufficient to determine the role of this variant in disease. Therefore, it has been classified as a Variant of Uncertain Significance.

NM_020884.7(MYH7B):c.5087_5093del (p.Arg1696fs)

Gene: MYH7B (myosin heavy chain 7B; plus strand). Cytogenetic location: 20q11.22.
Variant type: Deletion.
Coding change: c.5087_5093del on transcript NM_020884.7 (MANE Select); coding-DNA positions 5087 to 5093, 7 bases deleted (GGGCTGC; older notation c.5087_5093delGGGCTGC).
Protein change: p.Arg1696fs; shifts the reading frame from arginine 1696.
Molecular consequence: frameshift variant.
Genome position (GRCh38, 1-based): chr20:35,000,598-35,000,604, GGGCTGC deleted; deleting any 7 consecutive bases within chr20:35,000,593-35,000,604 gives the same sequence; the c. name uses the placement nearest the transcript's 3' end. VCF-style (leftmost placement, unchanged base first): chr20-35000592-AGCTGCGG-A. GRCh37 (hg19) VCF-style: chr20-33588395-AGCTGCGG-A.
Other names: short protein forms R1696fs.
Identifiers: ClinVar variation 4739772 (VCV004739772.1).